The following is an entry in ClinVar:

ClinVar aggregate classification (germline): Likely pathogenic. Review status: criteria provided, single submitter (1 of 4 stars). 2 submissions from 2 submitters: Likely pathogenic (1). 1 of the submissions does not count toward it. Last evaluated 2018-10-19.

Conditions:
Familial juvenile hyperuricemic nephropathy type 1 (ADTKD1). Also called: Autosomal Dominant Tubulointerstitial Kidney Disease – UMOD; Glomerulocystic kidney disease with hyperuricemia and isosthenuria; Medullary cystic kidney disease 2; UMOD-Associated Kidney Disease; Uromodulin-associated kidney disease. Identifiers: Orphanet 209886, Orphanet 34149, Orphanet 88950, MedGen C4551496, MONDO:0008073, OMIM 162000.

Submissions (2):

Human Genome Sequencing Center Clinical Lab, Baylor College of Medicine
Classification: Likely pathogenic for Familial juvenile hyperuricemic nephropathy 1. Last evaluated: 2018-10-19. Review status: criteria provided, single submitter. Criteria: ACMG Guidelines, 2015. Collection method: clinical testing. Allele origin: germline.
Comment: This variant has never been reported in general population databases and is located in a region where most of the variants associated with kidney disease in the UMOD gene are reported (PMID 28781372). Multiple lines of algorithms predict deleterious effect of the p.Trp258Cys change. Therefore, this c.774G>C (p.Trp258Cys) variant in the UMOD gene is classified as likely pathogenic.

Gharavi Laboratory, Columbia University
Classification: Likely pathogenic. Last evaluated: 2018-09-16. Review status: no assertion criteria provided. Criteria: ACMG Guidelines, 2015. Collection method: research. Allele origin: germline. Affected: yes. Not counted in ClinVar's aggregate classification.

NM_003361.4(UMOD):c.774G>C (p.Trp258Cys)

Gene: UMOD (uromodulin; minus strand). Cytogenetic location: 16p12.3.
Variant type: single nucleotide variant.
Coding change: c.774G>C on transcript NM_003361.4 (MANE Select); coding-DNA position 774, G replaced by C.
Protein change: p.Trp258Cys; replaces tryptophan 258 with cysteine.
Molecular consequence: missense variant. On other transcripts: non-coding transcript variant (1).
Genome position (GRCh38, 1-based): chr16:20,348,527, C>G on the plus strand (G>C on the coding strand, the complement: UMOD is on the minus strand). VCF-style: chr16-20348527-C-G. GRCh37 (hg19) VCF-style: chr16-20359849-C-G.
Other names: c.774G>C, p.Trp258Cys (NM_001008389.3, NM_001378232.1, NM_001378233.1 and 3 more transcripts); c.873G>C, p.Trp291Cys (NM_001278614.2); short protein forms W258C, W291C.
Identifiers: ClinVar variation 562394 (VCV000562394.4), dbSNP rs1567309582, ClinGen allele CA394984546.
Genomic context (GRCh38, chr16:20,348,527, plus strand): 5'-CGCTGTCAGGTTGTAGACGTAGTAGCCGCCGGCACAGGCCTTCACCTGGACGGACGCATC[C>G]CACAGGCAGCAGTGGCCGCTCCAGTGCGCGCAGGCCTTGCGGCTCACGATGCCCTCGTCG-3'
Protein context (NP_003352.2, residues 248-268): CAHWSGHCCL[Trp258Cys]DASVQVKACA